The following is an entry in ClinVar:

ClinVar aggregate classification (germline): Uncertain significance. Review status: criteria provided, multiple submitters, no conflicts (2 of 4 stars). 2 submissions from 2 submitters: Uncertain significance (2). Last evaluated 2025-09-05.

Conditions:
Inborn genetic diseases. Identifiers: MedGen C0950123, MeSH D030342.
Werner syndrome (WRN). Identifiers: Orphanet 902, MedGen C0043119, MONDO:0010196, OMIM 277700.

Allele frequency attached by ClinVar (database versions not stated): 1000 Genomes Project 30x 0.00031.
gnomAD v4.1: 3 of 1,613,646 alleles (0.00019%); highest among the groups gnomAD compares: Admixed American, 0.0033%; no homozygotes.

Submissions (2):

Ambry Genetics
Classification: Uncertain significance for Inborn genetic diseases. Last evaluated: 2025-09-05. Review status: criteria provided, single submitter. Criteria: Ambry Variant Classification Scheme 2023. Collection method: clinical testing. Allele origin: germline.

Labcorp Genetics (formerly Invitae), Labcorp
Classification: Uncertain significance for Werner syndrome. Last evaluated: 2022-06-14. Review status: criteria provided, single submitter. Criteria: Invitae Variant Classification Sherloc (09022015). Collection method: clinical testing. Allele origin: germline.
Comment: This sequence change replaces arginine, which is basic and polar, with proline, which is neutral and non-polar, at codon 149 of the WRN protein (p.Arg149Pro). This variant is present in population databases (rs61761625, gnomAD 0.003%). This variant has not been reported in the literature in individuals affected with WRN-related conditions. ClinVar contains an entry for this variant (Variation ID: 1034459). Algorithms developed to predict the effect of missense changes on protein structure and function are either unavailable or do not agree on the potential impact of this missense change (SIFT: "Not Available"; PolyPhen-2: "Probably Damaging"; Align-GVGD: "Not Available"). In summary, the available evidence is currently insufficient to determine the role of this variant in disease. Therefore, it has been classified as a Variant of Uncertain Significance.

NM_000553.6(WRN):c.446G>C (p.Arg149Pro)

Gene: WRN (WRN RecQ like helicase; plus strand). Cytogenetic location: 8p12.
Variant type: single nucleotide variant.
Coding change: c.446G>C on transcript NM_000553.6 (MANE Select); coding-DNA position 446, G replaced by C.
Protein change: p.Arg149Pro; replaces arginine 149 with proline.
Molecular consequence: missense variant.
Genome position (GRCh38, 1-based): chr8:31,065,005, G>C. VCF-style: chr8-31065005-G-C. GRCh37 (hg19) VCF-style: chr8-30922521-G-C.
Other names: c.446G>C (NM_000553.4); short protein forms R149P.
Identifiers: ClinVar variation 1034459 (VCV001034459.3), dbSNP rs61761625, ClinGen allele CA4704069.